The following is an entry in ClinVar:

NM_201253.3(CRB1):c.1883T>C (p.Leu628Pro)

Gene: CRB1 (crumbs cell polarity complex component 1; plus strand). Cytogenetic location: 1q31.3.
Variant type: single nucleotide variant.
Coding change: c.1883T>C on transcript NM_201253.3 (MANE Select); coding-DNA position 1883, T replaced by C.
Protein change: p.Leu628Pro; replaces leucine 628 with proline.
Molecular consequence: missense variant. On other transcripts: non-coding transcript variant (1).
Genome position (GRCh38, 1-based): chr1:197,421,711, T>C. VCF-style: chr1-197421711-T-C. GRCh37 (hg19) VCF-style: chr1-197390841-T-C.
Other names: c.1547T>C, p.Leu516Pro (NM_001193640.2); c.1676T>C, p.Leu559Pro (NM_001257965.2); c.1883T>C, p.Leu628Pro (NM_001257966.2); short protein forms L559P, L628P, L516P.
Identifiers: ClinVar variation 960927 (VCV000960927.7), dbSNP rs749411741, ClinGen allele CA1311996.

ClinVar aggregate classification (germline): Uncertain significance. Review status: criteria provided, multiple submitters, no conflicts (2 of 4 stars). 2 submissions from 2 submitters: Uncertain significance (2). Last evaluated 2022-02-23.

Conditions:
Retinitis pigmentosa 12 (RP12). Also called: RP WITH OR WITHOUT PRESERVED PARAARTERIOLE RETINAL PIGMENT EPITHELIUM; RETINITIS PIGMENTOSA WITH OR WITHOUT PARAARTERIOLAR PRESERVATION OF RETINAL PIGMENT EPITHELIUM; RP WITH OR WITHOUT PPRPE. Identifiers: Orphanet 791, MedGen C1838647, MONDO:0010818, OMIM 600105.
Leber congenital amaurosis 8 (LCA8). Identifiers: Orphanet 65, MedGen C3151202, MONDO:0013453, OMIM 613835.

Allele frequency attached by ClinVar (database versions not stated): TOPMed below 0.00001; gnomAD exomes 0.00001; ExAC 0.00002.

Submissions (2):

Blueprint Genetics
Classification: Uncertain significance. Last evaluated: 2022-02-23. Review status: criteria provided, single submitter. Criteria: ACMG Guidelines, 2015. Collection method: clinical testing. Allele origin: germline.

Labcorp Genetics (formerly Invitae), Labcorp
Classification: Uncertain significance for Leber congenital amaurosis 8; Retinitis pigmentosa 12. Last evaluated: 2022-02-08. Review status: criteria provided, single submitter. Criteria: Invitae Variant Classification Sherloc (09022015). Collection method: clinical testing. Allele origin: germline.
Comment: This sequence change replaces leucine, which is neutral and non-polar, with proline, which is neutral and non-polar, at codon 628 of the CRB1 protein (p.Leu628Pro). This variant is present in population databases (rs749411741, gnomAD 0.002%). This variant has not been reported in the literature in individuals affected with CRB1-related conditions. ClinVar contains an entry for this variant (Variation ID: 960927). Advanced modeling of protein sequence and biophysical properties (such as structural, functional, and spatial information, amino acid conservation, physicochemical variation, residue mobility, and thermodynamic stability) performed at Invitae indicates that this missense variant is not expected to disrupt CRB1 protein function. In summary, the available evidence is currently insufficient to determine the role of this variant in disease. Therefore, it has been classified as a Variant of Uncertain Significance.